The following is an entry in ClinVar:

ClinVar aggregate classification (germline): Conflicting classifications of pathogenicity. Review status: criteria provided, conflicting classifications (1 of 4 stars). 5 submissions from 5 submitters: Uncertain significance (4); Likely benign (1). Last evaluated 2025-07-17.

Conditions:
Inborn genetic diseases. Identifiers: MedGen C0950123, MeSH D030342.
Hereditary cancer-predisposing syndrome. Also called: Neoplastic Syndromes, Hereditary; Hereditary neoplastic syndrome; Hereditary Cancer Syndrome; Tumor predisposition. Identifiers: Orphanet 140162, MedGen C0027672, MeSH D009386, MONDO:0015356.
Acute myeloid leukemia (AML). Also called: Leukemia, acute myeloid, somatic; Leukemia, acute myelogenous, somatic; Acute myeloid leukemia, adult; AML adult; Acute non-lymphocytic leukemia; Acute granulocytic leukemia. Identifiers: Orphanet 519, MedGen C0023467, MeSH D015470, MONDO:0018874, OMIM 601626, HP:0004808. Disease mechanism: Constitutively activated FLT3.

Allele frequency attached by ClinVar (database versions not stated): TOPMed 0.00004; gnomAD 0.00005; gnomAD exomes 0.00007.

Submissions (5):

Labcorp Genetics (formerly Invitae), Labcorp
Classification: Uncertain significance for Acute myeloid leukemia. Last evaluated: 2025-07-17. Review status: criteria provided, single submitter. Criteria: Invitae Variant Classification Sherloc (09022015). Collection method: clinical testing. Allele origin: germline.
Comment: This sequence change replaces glycine, which is neutral and non-polar, with serine, which is neutral and polar, at codon 102 of the CEBPA protein (p.Gly102Ser). This variant is present in population databases (no rsID available, gnomAD 0.01%). This variant has not been reported in the literature in individuals affected with CEBPA-related conditions. ClinVar contains an entry for this variant (Variation ID: 456677). An algorithm developed to predict the effect of missense changes on protein structure and function (PolyPhen-2) suggests that this variant is likely to be tolerated. In summary, the available evidence is currently insufficient to determine the role of this variant in disease. Therefore, it has been classified as a Variant of Uncertain Significance.

GeneDx
Classification: Uncertain significance. Last evaluated: 2025-02-14. Review status: criteria provided, single submitter. Criteria: GeneDx Variant Classification Process June 2021. Collection method: clinical testing. Allele origin: germline.
Comment: Not observed at significant frequency in large population cohorts (gnomAD); In silico analysis indicates that this missense variant does not alter protein structure/function; Observed in individuals with acute myeloid leukemia (PMID: 20970189); This variant is associated with the following publications: (PMID: 20970189)

Ambry Genetics
Classification: Likely benign for Inborn genetic diseases. Last evaluated: 2024-12-26. Review status: criteria provided, single submitter. Criteria: Ambry Variant Classification Scheme 2023. Collection method: clinical testing. Allele origin: germline.

Baylor Genetics
Classification: Uncertain significance for Acute myeloid leukemia. Last evaluated: 2023-09-13. Review status: criteria provided, single submitter. Criteria: ACMG Guidelines, 2015. Collection method: clinical testing. Allele origin: unknown.

Sema4
Classification: Uncertain significance for Hereditary cancer-predisposing syndrome. Last evaluated: 2021-11-09. Review status: criteria provided, single submitter. Criteria: Sema4 Curation Guidelines. Collection method: curation. Allele origin: germline.
Comment: To the best of our knowledge, the CEBPA c.304G>A (p.G102S) variant has not been reported in individuals with CEBPA-related disease. It was observed in 1/8336 chromosomes of the African/African American subpopulation in the large and broad cohorts of the Genome Aggregation Database (PMID: 32461654). The variant has been reported in ClinVar (Variation ID 456677). In silico tools suggest the impact of the variant on protein function is benign though these predictions have not been confirmed by functional studies. The evidence is insufficient to meet ACMG/AMP criteria for classifying the variant as benign or pathogenic. Thus, the clinical significance of this variant is currently uncertain.

NM_004364.5(CEBPA):c.304G>A (p.Gly102Ser)

Gene: CEBPA (CCAAT enhancer binding protein alpha; minus strand). Cytogenetic location: 19q13.11.
Variant type: single nucleotide variant.
Coding change: c.304G>A on transcript NM_004364.5 (MANE Select); coding-DNA position 304, G replaced by A.
Protein change: p.Gly102Ser; replaces glycine 102 with serine.
Molecular consequence: missense variant. On other transcripts: 5 prime UTR variant (1).
Genome position (GRCh38, 1-based): chr19:33,302,111, C>T on the plus strand (G>A on the coding strand, the complement: CEBPA is on the minus strand). VCF-style: chr19-33302111-C-T. GRCh37 (hg19) VCF-style: chr19-33793017-C-T.
Other names: c.-54G>A (NM_001285829.2); c.409G>A, p.Gly137Ser (NM_001287424.2); c.262G>A, p.Gly88Ser (NM_001287435.2); short protein forms G102S, G137S, G88S.
Identifiers: ClinVar variation 456677 (VCV000456677.15), dbSNP rs1455462308, ClinGen allele CA405275233.